The following is an entry in ClinVar:

ClinVar aggregate classification (germline): Uncertain significance (1 of 4 stars; one submission).

Conditions:
Severe combined immunodeficiency due to CORO1A deficiency. Also called: Immunodeficiency 8; IMMUNODEFICIENCY 8 WITH LYMPHOPROLIFERATION. Identifiers: Orphanet 228003, MedGen C3809383, MONDO:0014168, OMIM 615401.

Allele frequency attached by ClinVar (database versions not stated): gnomAD exomes below 0.00001; TOPMed below 0.00001.

Submission:

Labcorp Genetics (formerly Invitae), Labcorp
Classification: Uncertain significance for Severe combined immunodeficiency due to CORO1A deficiency. Last evaluated: 2023-06-16. Review status: criteria provided, single submitter. Criteria: Invitae Variant Classification Sherloc (09022015). Collection method: clinical testing. Allele origin: germline.
Comment: This variant has not been reported in the literature in individuals affected with CORO1A-related conditions. In summary, the available evidence is currently insufficient to determine the role of this variant in disease. Therefore, it has been classified as a Variant of Uncertain Significance. Advanced modeling of protein sequence and biophysical properties (such as structural, functional, and spatial information, amino acid conservation, physicochemical variation, residue mobility, and thermodynamic stability) performed at Invitae indicates that this missense variant is expected to disrupt CORO1A protein function. This variant is not present in population databases (gnomAD no frequency). This sequence change replaces arginine, which is basic and polar, with cysteine, which is neutral and slightly polar, at codon 7 of the CORO1A protein (p.Arg7Cys).

NM_007074.4(CORO1A):c.19C>T (p.Arg7Cys)

Gene: CORO1A (coronin 1A; plus strand). Cytogenetic location: 16p11.2.
Variant type: single nucleotide variant.
Coding change: c.19C>T on transcript NM_007074.4 (MANE Select); coding-DNA position 19, C replaced by T.
Protein change: p.Arg7Cys; replaces arginine 7 with cysteine.
Molecular consequence: missense variant.
Genome position (GRCh38, 1-based): chr16:30,185,228, C>T. VCF-style: chr16-30185228-C-T. GRCh37 (hg19) VCF-style: chr16-30196549-C-T.
Other names: c.19C>T, p.Arg7Cys (NM_001193333.3); short protein forms R7C.
Identifiers: ClinVar variation 2817994 (VCV002817994.3), dbSNP rs2073319810, ClinGen allele CA395489274.